The following is an entry in ClinVar:

ClinVar aggregate classification (germline): Uncertain significance. Review status: criteria provided, multiple submitters, no conflicts (2 of 4 stars). 2 submissions from 2 submitters: Uncertain significance (2). Last evaluated 2023-05-03.

Conditions:
Autosomal recessive cerebellar ataxia-saccadic intrusion syndrome. Also called: SPINOCEREBELLAR ATAXIA 24; VPS13D Movement Disorder. Identifiers: Orphanet 95434, MedGen C1846492, MONDO:0011811, OMIM 607317.
Inborn genetic diseases. Identifiers: MedGen C0950123, MeSH D030342.

Allele frequency attached by ClinVar (database versions not stated): gnomAD exomes below 0.00001; ExAC 0.00001; TOPMed 0.00001.
gnomAD v4.1: 6 of 1,613,746 alleles (0.00037%); highest among the groups gnomAD compares: East Asian, 0.013%; no homozygotes.

Submissions (2):

Ambry Genetics
Classification: Uncertain significance for Inborn genetic diseases. Last evaluated: 2023-05-03. Review status: criteria provided, single submitter. Criteria: Ambry Variant Classification Scheme 2023. Collection method: clinical testing. Allele origin: germline.

Juno Genomics, Hangzhou Juno Genomics, Inc
Classification: Uncertain significance for Autosomal recessive cerebellar ataxia-saccadic intrusion syndrome. Review status: criteria provided, single submitter. Criteria: ACMG Guidelines, 2015. Collection method: clinical testing. Allele origin: germline.
Comment: Absent from controls (or at extremely low frequency if recessive) in Genome Aggregation Database.;Missense variant in a gene that has a low rate of benign missense variation.

NM_015378.4(VPS13D):c.7664T>C (p.Met2555Thr)

Gene: VPS13D (vacuolar protein sorting 13 homolog D; plus strand). Cytogenetic location: 1p36.22.
Variant type: single nucleotide variant.
Coding change: c.7664T>C on transcript NM_015378.4 (MANE Select); coding-DNA position 7664, T replaced by C.
Protein change: p.Met2555Thr; replaces methionine 2555 with threonine.
Molecular consequence: missense variant.
Genome position (GRCh38, 1-based): chr1:12,321,924, T>C. VCF-style: chr1-12321924-T-C. GRCh37 (hg19) VCF-style: chr1-12381981-T-C.
Other names: c.7664T>C, p.Met2555Thr (NM_018156.4); short protein forms M2555T.
Identifiers: ClinVar variation 2542198 (VCV002542198.4), dbSNP rs768255933, ClinGen allele CA602895.